The following is an entry in ClinVar:

ClinVar aggregate classification (germline): Pathogenic. Review status: criteria provided, multiple submitters, no conflicts (2 of 4 stars). 12 submissions from 10 submitters: Pathogenic (11). 1 of the submissions does not count toward it. Last evaluated 2025-12-01.

Conditions:
Usher syndrome. Also called: Usher Syndromes; Usher's syndrome. Identifiers: Orphanet 886, MedGen CN469326, MeSH D052245, MONDO:0019501. Disease mechanism: loss of function.
USH2A-related disorder. Also called: USH2A-related condition; USH2A-related disorders. Identifiers: MedGen CN239332.
Retinitis pigmentosa 39 (RP39). Identifiers: Orphanet 791, MedGen C3151138, MONDO:0013436, OMIM 613809.
Usher syndrome type 2A. Also called: RETINAL DISEASE IN USHER SYNDROME TYPE IIA, MODIFIER OF; USHER SYNDROME, TYPE IIA. Identifiers: Orphanet 231178, Orphanet 886, MedGen C1848634, MONDO:0010169, OMIM 276901.

Allele frequency attached by ClinVar (database versions not stated): gnomAD 0.00001; TOPMed below 0.00001; gnomAD exomes below 0.00001.
gnomAD v4.1: 3 of 1,614,020 alleles (0.00019%); highest among the groups gnomAD compares: Admixed American, 0.0017%; no homozygotes.

Submissions (12):

Labcorp Genetics (formerly Invitae), Labcorp
Classification: Pathogenic. Last evaluated: 2025-12-01. Review status: criteria provided, single submitter. Criteria: Invitae Variant Classification Sherloc (09022015). Collection method: clinical testing. Allele origin: germline.
Comment: This sequence change creates a premature translational stop signal (p.Trp3918*) in the USH2A gene. It is expected to result in an absent or disrupted protein product. Loss-of-function variants in USH2A are known to be pathogenic (PMID: 10729113, 10909849, 20507924, 25649381). This variant is not present in population databases (gnomAD no frequency). This premature translational stop signal has been observed in individual(s) with USH2A-related conditions (PMID: 24944099, 30029497, 30337596). In at least one individual the data is consistent with being in trans (on the opposite chromosome) from a pathogenic variant. ClinVar contains an entry for this variant (Variation ID: 813344). For these reasons, this variant has been classified as Pathogenic.

Women's Health and Genetics/Laboratory Corporation of America, LabCorp
Classification: Pathogenic for Usher syndrome. Last evaluated: 2024-10-14. Review status: criteria provided, single submitter. Criteria: LabCorp Variant Classification Summary - May 2015. Collection method: clinical testing. Allele origin: germline.
Comment: Variant summary: USH2A c.11754G>A (p.Trp3918X) results in a premature termination codon, predicted to cause a truncation of the encoded protein or absence of the protein due to nonsense mediated decay, which are commonly known mechanisms for disease. The variant was absent in 249084 control chromosomes. c.11754G>A has been reported in the literature in individuals affected with USH2A-related conditions (e.g. Panneman_2023, Ezquerra-Inchausti_2018). To our knowledge, no experimental evidence demonstrating an impact on protein function has been reported. The following publications have been ascertained in the context of this evaluation (PMID: 30337596, 36819107). ClinVar contains an entry for this variant (Variation ID: 813344). Based on the evidence outlined above, the variant was classified as pathogenic.

Revvity Omics, Revvity
Classification: Pathogenic. Last evaluated: 2024-07-25. Review status: criteria provided, single submitter. Criteria: ACMG Guidelines, 2015. Collection method: clinical testing. Allele origin: germline.

Baylor Genetics
Classification: Pathogenic for Retinitis pigmentosa 39. Last evaluated: 2024-02-05. Review status: criteria provided, single submitter. Criteria: ACMG Guidelines, 2015. Collection method: clinical testing. Allele origin: unknown.

Genome-Nilou Lab
Classification: Pathogenic for Retinitis pigmentosa 39. Last evaluated: 2023-11-04. Review status: criteria provided, single submitter. Criteria: ACMG Guidelines, 2015. Collection method: clinical testing. Allele origin: germline. Affected: no.

Genome-Nilou Lab
Classification: Pathogenic for Usher syndrome type 2A. Last evaluated: 2023-11-04. Review status: criteria provided, single submitter. Criteria: ACMG Guidelines, 2015. Collection method: clinical testing. Allele origin: germline. Affected: no.

GeneDx
Classification: Pathogenic. Last evaluated: 2023-08-21. Review status: criteria provided, single submitter. Criteria: GeneDx Variant Classification Process June 2021. Collection method: clinical testing. Allele origin: germline. Affected: yes.
Comment: Nonsense variant predicted to result in protein truncation or nonsense mediated decay in a gene for which loss of function is a known mechanism of disease; Not observed at significant frequency in large population cohorts (gnomAD); This variant is associated with the following publications: (PMID: 36819107, 30337596, 24944099, 32319668, 30029497, 32675063)

Fulgent Genetics
Classification: Pathogenic for Usher syndrome type 2A; Retinitis pigmentosa 39. Last evaluated: 2021-12-11. Review status: criteria provided, single submitter. Criteria: ACMG Guidelines, 2015. Collection method: clinical testing. Allele origin: unknown.

Blueprint Genetics
Classification: Pathogenic for USH2A-related disorders. Last evaluated: 2019-12-16. Review status: criteria provided, single submitter. Criteria: ACMG Guidelines, 2015. Collection method: clinical testing. Allele origin: germline. Affected: yes. Observed: 3 variant alleles.

Baylor Genetics
Classification: Pathogenic for Usher syndrome type 2A. Review status: criteria provided, single submitter. Criteria: ACMG Guidelines, 2015. Collection method: clinical testing. Allele origin: germline.

Clinical Genetics Service, Universitary Hospital 12 de Octubre
Classification: Pathogenic for Usher syndrome type 2A. Review status: criteria provided, single submitter. Criteria: ACMG Guidelines, 2015. Collection method: clinical testing. Allele origin: germline. Affected: yes.

Natera, Inc.
Classification: Pathogenic for Usher syndrome type 2A. Last evaluated: 2020-04-07. Review status: no assertion criteria provided. Collection method: clinical testing. Allele origin: germline. Not counted in ClinVar's aggregate classification.

Literature cited by the submitters: PubMed 10729113 (cited by Labcorp Genetics (formerly Invitae), Labcorp); PubMed 10909849 (cited by Labcorp Genetics (formerly Invitae), Labcorp); PubMed 20507924 (cited by Labcorp Genetics (formerly Invitae), Labcorp); PubMed 25649381 (cited by Labcorp Genetics (formerly Invitae), Labcorp); PubMed 24944099 (cited by Labcorp Genetics (formerly Invitae), Labcorp); PubMed 30029497 (cited by Labcorp Genetics (formerly Invitae), Labcorp); PubMed 30337596 (cited by Labcorp Genetics (formerly Invitae), Labcorp and Women's Health and Genetics/Laboratory Corporation of America, LabCorp); PubMed 36819107 (cited by Women's Health and Genetics/Laboratory Corporation of America, LabCorp).

NM_206933.4(USH2A):c.11754G>A (p.Trp3918Ter)

Gene: USH2A (usherin; minus strand). Cytogenetic location: 1q41.
Variant type: single nucleotide variant.
Coding change: c.11754G>A on transcript NM_206933.4 (MANE Select); coding-DNA position 11754, G replaced by A.
Protein change: p.Trp3918Ter; replaces tryptophan 3918 with a stop codon.
Molecular consequence: nonsense.
Genome position (GRCh38, 1-based): chr1:215,728,342, C>T on the plus strand (G>A on the coding strand, the complement: USH2A is on the minus strand). VCF-style: chr1-215728342-C-T. GRCh37 (hg19) VCF-style: chr1-215901684-C-T.
Other names: c.11754G>A (NM_206933.2, NM_206933.3); short protein forms W3918*.
Identifiers: ClinVar variation 813344 (VCV000813344.18), dbSNP rs1358947010, ClinGen allele CA344829667.